The following is an entry in ClinVar:

ClinVar aggregate classification (germline): Uncertain significance. Review status: criteria provided, multiple submitters, no conflicts (2 of 4 stars). 7 submissions from 4 submitters: Uncertain significance (7). Last evaluated 2025-11-24.

Conditions:
Dilated cardiomyopathy 1S (CMD1S). Identifiers: Orphanet 154, Orphanet 54260, MedGen C1834481, MONDO:0013262, OMIM 613426.
Myosin storage myopathy (CMYO7A). Also called: MYOPATHY, HYALINE BODY, AUTOSOMAL DOMINANT; Scapuloperoneal myopathy, MYH7-related; MYOPATHY WITH LYSIS OF TYPE I MYOFIBRILS; SCAPULOPERONEAL MUSCULAR DYSTROPHY; SCAPULOPERONEAL SYNDROME, MYOPATHIC TYPE; MYH7-related late-onset scapuloperoneal muscular dystrophy. Identifiers: Orphanet 437572, Orphanet 636965, MedGen C1842160, MONDO:0008409, OMIM 608358.
Hypertrophic cardiomyopathy 1 (CMH1). Also called: Familial hypertrophic cardiomyopathy 1; MYH7-Related Familial Hypertrophic Cardiomyopathy. Identifiers: MedGen C3495498, MONDO:0008647, OMIM 192600.
MYH7-related skeletal myopathy. Also called: Myopathy, distal, 1; MYOPATHY, DISTAL, EARLY-ONSET, AUTOSOMAL DOMINANT; MYOPATHY, LATE DISTAL HEREDITARY; Laing distal myopathy; Laing early-onset distal myopathy. Identifiers: Orphanet 59135, MedGen C4552004, MONDO:0008050, OMIM 160500.
Hypertrophic cardiomyopathy. Also called: HYPERTROPHIC MYOCARDIOPATHY. Identifiers: Orphanet 217569, MedGen C0007194, MeSH D002312, MONDO:0005045, HP:0001639.

gnomAD v4.1: 2 of 1,614,200 alleles (0.00012%); highest among the groups gnomAD compares: Non-Finnish European, 0.00017%; no homozygotes.

Submissions (7):

Labcorp Genetics (formerly Invitae), Labcorp
Classification: Uncertain significance for Hypertrophic cardiomyopathy. Last evaluated: 2025-11-24. Review status: criteria provided, single submitter. Criteria: Invitae Variant Classification Sherloc (09022015). Collection method: clinical testing. Allele origin: germline.
Comment: This sequence change replaces glutamic acid, which is acidic and polar, with lysine, which is basic and polar, at codon 1610 of the MYH7 protein (p.Glu1610Lys). This variant is not present in population databases (gnomAD no frequency). This missense change has been observed in individual(s) with clinical features of MYH7-related conditions (PMID: 32528171). ClinVar contains an entry for this variant (Variation ID: 312894). Invitae Evidence Modeling of protein sequence and biophysical properties (such as structural, functional, and spatial information, amino acid conservation, physicochemical variation, residue mobility, and thermodynamic stability) indicates that this missense variant is expected to disrupt MYH7 protein function with a positive predictive value of 95%. Experimental studies have shown that this missense change affects MYH7 function (PMID: 37788100). In summary, the available evidence is currently insufficient to determine the role of this variant in disease. Therefore, it has been classified as a Variant of Uncertain Significance.

Women's Health and Genetics/Laboratory Corporation of America, LabCorp
Classification: Uncertain significance. Last evaluated: 2025-06-17. Review status: criteria provided, single submitter. Criteria: LabCorp Variant Classification Summary - May 2015. Collection method: clinical testing. Allele origin: germline.
Comment: Variant summary: MYH7 c.4828G>A (p.Glu1610Lys) results in a conservative amino acid change in the encoded protein sequence. Algorithms developed to predict the effect of missense changes on protein structure and function are either unavailable or do not agree on the potential impact of this missense change. The variant was absent in 251492 control chromosomes. The available data on variant occurrences in the general population are insufficient to allow any conclusion about variant significance. c.4828G>A has been observed in the presumed heterozygous state in individual(s) affected with dilated cardiomyopathy, hypertrophic cardiomyopathy, and skeletal myopathy (example, Topf_2020, Carrington_2023, Bourfiss_2022), without strong evidence for causality. These report(s) do not provide unequivocal conclusions about association of the variant with MYH7-related conditions. At least one publication reports experimental evidence evaluating an impact on protein function, however, does not allow convincing conclusions about the variant effect (Carrington_2023). The following publications have been ascertained in the context of this evaluation (PMID: 32528171, 37788100, 36264615). ClinVar contains an entry for this variant (Variation ID: 312894). Based on the evidence outlined above, the variant was classified as uncertain significance.

Revvity Omics, Revvity
Classification: Uncertain significance. Last evaluated: 2019-05-07. Review status: criteria provided, single submitter. Criteria: ACMG Guidelines, 2015. Collection method: clinical testing. Allele origin: germline.

Illumina Laboratory Services, Illumina
Classification: Uncertain significance for Myosin storage myopathy. Last evaluated: 2018-01-13. Review status: criteria provided, single submitter. Criteria: ICSL Variant Classification Criteria 13 December 2019. Collection method: clinical testing. Allele origin: germline.

Illumina Laboratory Services, Illumina
Classification: Uncertain significance for Dilated cardiomyopathy 1S. Last evaluated: 2018-01-13. Review status: criteria provided, single submitter. Criteria: ICSL Variant Classification Criteria 13 December 2019. Collection method: clinical testing. Allele origin: germline.

Illumina Laboratory Services, Illumina
Classification: Uncertain significance for Hypertrophic cardiomyopathy 1. Last evaluated: 2018-01-13. Review status: criteria provided, single submitter. Criteria: ICSL Variant Classification Criteria 13 December 2019. Collection method: clinical testing. Allele origin: germline.

Illumina Laboratory Services, Illumina
Classification: Uncertain significance for MYH7-related skeletal myopathy. Last evaluated: 2018-01-13. Review status: criteria provided, single submitter. Criteria: ICSL Variant Classification Criteria 13 December 2019. Collection method: clinical testing. Allele origin: germline.

Literature cited by the submitters: PubMed 32528171 (cited by Labcorp Genetics (formerly Invitae), Labcorp and Women's Health and Genetics/Laboratory Corporation of America, LabCorp); PubMed 37788100 (cited by Labcorp Genetics (formerly Invitae), Labcorp and Women's Health and Genetics/Laboratory Corporation of America, LabCorp); PubMed 36264615 (cited by Women's Health and Genetics/Laboratory Corporation of America, LabCorp).

NM_000257.4(MYH7):c.4828G>A (p.Glu1610Lys)

Genes: MYH7 (myosin heavy chain 7; minus strand), MHRT (myosin heavy chain associated RNA transcript; plus strand), LOC126861897 (BRD4-independent group 4 enhancer GRCh37_chr14:23884455-23885654; plus strand). Cytogenetic location: 14q11.2.
Variant type: single nucleotide variant.
Coding change: c.4828G>A on transcript NM_000257.4 (MANE Select); coding-DNA position 4828, G replaced by A.
Protein change: p.Glu1610Lys; replaces glutamic acid 1610 with lysine.
Molecular consequence: missense variant. On other transcripts: non-coding transcript variant (1).
Genome position (GRCh38, 1-based): chr14:23,416,129, C>T on the plus strand (G>A on the coding strand, the complement: MYH7 is on the minus strand). VCF-style: chr14-23416129-C-T. GRCh37 (hg19) VCF-style: chr14-23885338-C-T.
Other names: c.4828G>A (LRG_384t1); short protein forms E1610K.
Identifiers: ClinVar variation 312894 (VCV000312894.15), dbSNP rs730880810, ClinGen allele CA10645050.